The following is an entry in ClinVar:

ClinVar aggregate classification (germline): Uncertain significance (1 of 4 stars; one submission).

Allele frequency attached by ClinVar (database versions not stated): gnomAD exomes below 0.00001 and 0.00001; TOPMed below 0.00001; ExAC 0.00001; gnomAD 0.00001.
gnomAD v4.1: 11 of 1,612,364 alleles (0.00068%); highest among the groups gnomAD compares: Admixed American, 0.0067%; no homozygotes.

Submission:

Labcorp Genetics (formerly Invitae), Labcorp
Classification: Uncertain significance. Last evaluated: 2025-12-08. Review status: criteria provided, single submitter. Criteria: Invitae Variant Classification Sherloc (09022015). Collection method: clinical testing. Allele origin: germline.
Comment: This sequence change replaces cysteine, which is neutral and slightly polar, with arginine, which is basic and polar, at codon 2826 of the ASPM protein (p.Cys2826Arg). This variant is present in population databases (rs760313197, gnomAD 0.0009%). This variant has not been reported in the literature in individuals affected with ASPM-related conditions. ClinVar contains an entry for this variant (Variation ID: 1479937). An algorithm developed to predict the effect of missense changes on protein structure and function outputs the following: PolyPhen-2: "Benign". The arginine amino acid residue is found in multiple mammalian species, which suggests that this missense change does not adversely affect protein function. In summary, the available evidence is currently insufficient to determine the role of this variant in disease. Therefore, it has been classified as a Variant of Uncertain Significance.

NM_018136.5(ASPM):c.8476T>C (p.Cys2826Arg)

Gene: ASPM (assembly factor for spindle microtubules; minus strand). Cytogenetic location: 1q31.3.
Variant type: single nucleotide variant.
Coding change: c.8476T>C on transcript NM_018136.5 (MANE Select); coding-DNA position 8476, T replaced by C.
Protein change: p.Cys2826Arg; replaces cysteine 2826 with arginine.
Molecular consequence: missense variant. On other transcripts: intron variant (1).
Genome position (GRCh38, 1-based): chr1:197,100,775, A>G on the plus strand (T>C on the coding strand, the complement: ASPM is on the minus strand). VCF-style: chr1-197100775-A-G. GRCh37 (hg19) VCF-style: chr1-197069905-A-G.
Other names: c.4066-4611T>C (NM_001206846.2); short protein forms C2826R.
Identifiers: ClinVar variation 1479937 (VCV001479937.4), dbSNP rs760313197, ClinGen allele CA1309214.